The following is an entry in ClinVar:

NM_001382548.1(TCERG1):c.621T>G (p.Ala207=)

Gene: TCERG1 (transcription elongation regulator 1; plus strand). Cytogenetic location: 5q32.
Variant type: single nucleotide variant.
Coding change: c.621T>G on transcript NM_001382548.1 (MANE Select); coding-DNA position 621, T replaced by G.
Protein change: p.Ala207=; no amino-acid change (alanine 207 retained).
Molecular consequence: synonymous variant. On other transcripts: non-coding transcript variant (52), intron variant (3).
Genome position (GRCh38, 1-based): chr5:146,459,066, T>G. VCF-style: chr5-146459066-T-G. GRCh37 (hg19) VCF-style: chr5-145838629-T-G.
Other names: c.621T>G, p.Ala207= (NM_001040006.2, NM_001400077.1, NM_001400084.1 and 7 more transcripts); c.564T>G, p.Ala188= (NM_001400082.1); c.561T>G, p.Ala187= (NM_001400092.1); c.594+27T>G (NM_001400098.1); c.577-34T>G (NM_001400083.1); c.558+63T>G (NM_001400096.1).
Identifiers: ClinVar variation 2655880 (VCV002655880.24), dbSNP rs183780634, ClinGen allele CA447097765.

ClinVar aggregate classification (germline): Likely benign (1 of 4 stars; one submission).

gnomAD v4.1: 7 of 1,568,134 alleles (0.00045%); highest among the groups gnomAD compares: Middle Eastern, 0.017%; no homozygotes.

Submission:

CeGaT Center for Human Genetics Tuebingen
Classification: Likely benign. Last evaluated: 2023-02-01. Review status: criteria provided, single submitter. Criteria: CeGaT Center For Human Genetics Tuebingen Variant Classification Criteria Version 2. Collection method: clinical testing. Allele origin: germline. Affected: yes. Observed: 1 variant allele.
Comment: TCERG1: PM2:Supporting, BP4, BP7